The following is an entry in ClinVar:

NM_001008212.2(OPTN):c.423C>G (p.Asp141Glu)

Gene: OPTN (optineurin; plus strand). Cytogenetic location: 10p13.
Variant type: single nucleotide variant.
Coding change: c.423C>G on transcript NM_001008212.2 (MANE Select); coding-DNA position 423, C replaced by G.
Protein change: p.Asp141Glu; replaces aspartic acid 141 with glutamic acid.
Molecular consequence: missense variant.
Genome position (GRCh38, 1-based): chr10:13,112,506, C>G. VCF-style: chr10-13112506-C-G. GRCh37 (hg19) VCF-style: chr10-13154506-C-G.
Other names: c.423C>G, p.Asp141Glu (NM_001008211.1, NM_001008213.1, NM_021980.4); short protein forms D141E.
Identifiers: ClinVar variation 3349059 (VCV003349059.1).

ClinVar aggregate classification (germline): Uncertain significance (0 of 4 stars; one submission).

Conditions:
OPTN-related disorder. Also called: OPTN-related condition; OPTN-related disorders.

gnomAD v4.1: 11 of 1,614,068 alleles (0.00068%); highest among the groups gnomAD compares: Non-Finnish European, 0.00085%; no homozygotes.

Submission:

PreventionGenetics, part of Exact Sciences
Classification: Uncertain significance for OPTN-related condition. Last evaluated: 2024-03-19. Review status: no assertion criteria provided. Collection method: clinical testing. Allele origin: germline.
Comment: The OPTN c.423C>G variant is predicted to result in the amino acid substitution p.Asp141Glu. To our knowledge, this variant has not been reported in the literature. This variant is reported in 0.00088% of alleles in individuals of European (Non-Finnish) descent in gnomAD. At this time, the clinical significance of this variant is uncertain due to the absence of conclusive functional and genetic evidence.